The following is an entry in ClinVar:

ClinVar aggregate classification (germline): Likely benign (1 of 4 stars; one submission).

Conditions:
HNF1B-related disorder. Also called: HNF1B-related condition; HNF1B-related disorders.

gnomAD v4.1: 1 of 1,612,648 alleles (0.000062%); highest among the groups gnomAD compares: South Asian, 0.0011%; no homozygotes.

Submission:

PreventionGenetics, part of Exact Sciences
Classification: Likely benign for HNF1B-related condition. Last evaluated: 2024-12-30. Review status: criteria provided, single submitter. Criteria: ACMG Guidelines, 2015. Collection method: clinical testing. Allele origin: germline.
Comment: This variant is classified as likely benign based on ACMG/AMP sequence variant interpretation guidelines (Richards et al. 2015 PMID: 25741868, with internal and published modifications).

NM_000458.4(HNF1B):c.240C>T (p.Ser80=)

Gene: HNF1B (HNF1 homeobox B; minus strand). Cytogenetic location: 17q12.
Variant type: single nucleotide variant.
Coding change: c.240C>T on transcript NM_000458.4 (MANE Select); coding-DNA position 240, C replaced by T.
Protein change: p.Ser80=; no amino-acid change (serine 80 retained).
Molecular consequence: synonymous variant.
Genome position (GRCh38, 1-based): chr17:37,744,645, G>A on the plus strand (C>T on the coding strand, the complement: HNF1B is on the minus strand). VCF-style: chr17-37744645-G-A. GRCh37 (hg19) VCF-style: chr17-36104636-G-A.
Other names: c.240C>T, p.Ser80= (NM_001165923.4, NM_001304286.2, NM_001411100.1).
Identifiers: ClinVar variation 4982551 (VCV004982551.1).